The following is an entry in ClinVar:

ClinVar aggregate classification (germline): Uncertain significance. Review status: criteria provided, multiple submitters, no conflicts (2 of 4 stars). 2 submissions from 2 submitters: Uncertain significance (2). Last evaluated 2026-06-03.

Conditions:
Hereditary cancer-predisposing syndrome. Also called: Hereditary Cancer Syndrome; Hereditary neoplastic syndrome; Neoplastic Syndromes, Hereditary; Tumor predisposition. Identifiers: Orphanet 140162, MedGen C0027672, MeSH D009386, MONDO:0015356.

Submissions (2):

Ambry Genetics
Classification: Uncertain significance for Hereditary cancer-predisposing syndrome. Last evaluated: 2026-06-03. Review status: criteria provided, single submitter. Criteria: Ambry Variant Classification Scheme 2023. Collection method: clinical testing. Allele origin: germline.
Comment: The p.F552V variant (also known as c.1654T>G), located in coding exon 15 of the POLE gene, results from a T to G substitution at nucleotide position 1654. The phenylalanine at codon 552 is replaced by valine, an amino acid with highly similar properties. This amino acid position is highly conserved in available vertebrate species. In addition, the in silico prediction for this alteration is inconclusive. Based on the available evidence, the clinical significance of this variant remains unclear.

Labcorp Genetics (formerly Invitae), Labcorp
Classification: Uncertain significance. Last evaluated: 2024-05-09. Review status: criteria provided, single submitter. Criteria: Invitae Variant Classification Sherloc (09022015). Collection method: clinical testing. Allele origin: germline.
Comment: This sequence change replaces phenylalanine, which is neutral and non-polar, with valine, which is neutral and non-polar, at codon 552 of the POLE protein (p.Phe552Val). This variant is not present in population databases (gnomAD no frequency). This variant has not been reported in the literature in individuals affected with POLE-related conditions. Advanced modeling of protein sequence and biophysical properties (such as structural, functional, and spatial information, amino acid conservation, physicochemical variation, residue mobility, and thermodynamic stability) performed at Invitae indicates that this missense variant is expected to disrupt POLE protein function with a positive predictive value of 80%. In summary, the available evidence is currently insufficient to determine the role of this variant in disease. Therefore, it has been classified as a Variant of Uncertain Significance.

NM_006231.4(POLE):c.1654T>G (p.Phe552Val)

Gene: POLE (DNA polymerase epsilon, catalytic subunit; minus strand). Cytogenetic location: 12q24.33.
Variant type: single nucleotide variant.
Coding change: c.1654T>G on transcript NM_006231.4 (MANE Select); coding-DNA position 1654, T replaced by G.
Protein change: p.Phe552Val; replaces phenylalanine 552 with valine.
Molecular consequence: missense variant.
Genome position (GRCh38, 1-based): chr12:132,672,659, A>C on the plus strand (T>G on the coding strand, the complement: POLE is on the minus strand). VCF-style: chr12-132672659-A-C. GRCh37 (hg19) VCF-style: chr12-133249245-A-C.
Other names: c.1654T>G (NM_006231.2); short protein forms F552V.
Identifiers: ClinVar variation 3708442 (VCV003708442.3).